The following is an entry in ClinVar:

NM_001009944.3(PKD1):c.7108T>C (p.Cys2370Arg)

Gene: PKD1 (polycystin 1, transient receptor potential channel interacting; minus strand). Cytogenetic location: 16p13.3.
Variant type: single nucleotide variant.
Coding change: c.7108T>C on transcript NM_001009944.3 (MANE Select); coding-DNA position 7108, T replaced by C.
Protein change: p.Cys2370Arg; replaces cysteine 2370 with arginine.
Molecular consequence: missense variant.
Genome position (GRCh38, 1-based): chr16:2,106,906, A>G on the plus strand (T>C on the coding strand, the complement: PKD1 is on the minus strand). VCF-style: chr16-2106906-A-G. GRCh37 (hg19) VCF-style: chr16-2156907-A-G.
Other names: c.7108T>C, p.Cys2370Arg (NM_000296.4); short protein forms C2370R.
Identifiers: ClinVar variation 618799 (VCV000618799.17), dbSNP rs1567187445, ClinGen allele CA394372051.
Genomic context (GRCh38, chr16:2,106,906, plus strand): 5'-CCAAGTACACGTAGGAGCTGCGGCTCACTTCGTACACGGCCTGTGCCTTGCAGGACACAC[A>G]CTCCAAGGACACAATGGGCACCCGGCCACTCCGGATCAGCACCTGGCGTGGGAGTGGGGT-3'
Protein context (NP_001009944.3, residues 2360-2380): SGRVPIVSLE[Cys2370Arg]VSCKAQAVYE

ClinVar aggregate classification (germline): Conflicting classifications of pathogenicity. Review status: criteria provided, conflicting classifications (1 of 4 stars). 8 submissions from 8 submitters: Pathogenic (2); Likely pathogenic (5); Uncertain significance (1). Last evaluated 2026-04-21.

Conditions:
PKD1-related disorder. Also called: PKD1-related condition.
Polycystic kidney disease, adult type (PKD1). Also called: Polycystic Kidney, Autosomal Dominant; POLYCYSTIC KIDNEY DISEASE 1 WITH OR WITHOUT POLYCYSTIC LIVER DISEASE; Polycystic Kidney Disease 1, Autosomal Dominant; Polycystic kidney disease 1; Polycystic kidney disease 1, severe; POLYCYSTIC KIDNEY DISEASE, ADULT, TYPE I. Identifiers: MedGen C3149841, MONDO:0008263, OMIM 173900.

Allele frequency attached by ClinVar (database versions not stated): gnomAD exomes below 0.00001.
gnomAD v4.1: 1 of 1,566,244 alleles (0.000064%); highest among the groups gnomAD compares: Non-Finnish European, 0.000087%; no homozygotes.

Submissions (8):

GeneDx
Classification: Uncertain significance. Last evaluated: 2026-04-21. Review status: criteria provided, single submitter. Criteria: GeneDx Variant Classification Process June 2021. Collection method: clinical testing. Allele origin: germline.
Comment: Not observed at significant frequency in large population cohorts (gnomAD); In silico analysis supports that this missense variant has a deleterious effect on protein structure/function; This variant is associated with the following publications: (PMID: 26139440, 17582161, 22008521, 33437033, 29801666, 12842373)

Women's Health and Genetics/Laboratory Corporation of America, LabCorp
Classification: Likely pathogenic for Polycystic kidney disease, adult type. Last evaluated: 2026-01-26. Review status: criteria provided, single submitter. Criteria: LabCorp Variant Classification Summary - May 2015. Collection method: clinical testing. Allele origin: germline.
Comment: Variant summary: PKD1 c.7108T>C (p.Cys2370Arg) results in a non-conservative amino acid change in the encoded protein sequence. Algorithms developed to predict the effect of missense changes on protein structure and function all suggest that this variant is likely to be disruptive. The variant was absent in 220994 control chromosomes. c.7108T>C has been observed in heterozygous individual(s) affected with Polycystic Kidney Disease 1 (Rossetti_2003, Mallawaarachchi_2021). These data indicate that the variant may be associated with disease. To our knowledge, no experimental evidence demonstrating an impact on protein function has been reported. A different variant located at the same codon (c.7108T>A, p.Cys2370Ser) has been classified as Pathogenic, supporting a critical relevance of this residue to PKD1 protein function. The following publications have been ascertained in the context of this evaluation (PMID: 29801666, 33437033, 12842373). ClinVar contains an entry for this variant (Variation ID: 618799). Based on the evidence outlined above, the variant was classified as likely pathogenic for dominant and recessive Polycystic Kidney Disease.

Victorian Clinical Genetics Services, Murdoch Childrens Research Institute
Classification: Pathogenic for Polycystic kidney disease, adult type. Last evaluated: 2025-10-29. Review status: criteria provided, single submitter. Criteria: ACMG Guidelines, 2015. Collection method: clinical testing. Allele origin: germline. Affected: yes.
Comment: This variant is classified as Pathogenic. Evidence in support of pathogenic classification: Variant is absent from gnomAD (both v2 and v3); This variant has strong previous evidence of pathogenicity in unrelated individuals. This variant has been classified as likely pathogenic by clinical laboratories in ClinVar, reported in the literature in an individual with ADPKD (PMID: 12842373) and observed in the VCGS renal disease cohort; Other missense variant(s) comparable to the one identified in this case have strong previous evidence for pathogenicity. p.(Cys2370Tyr) has been classified as likely pathogenic by a clinical laboratory in ClinVar. In addition, p.(Cys2370Ser) has been classified as likely pathogenic and as a VUS by clinical laboratories in ClinVar and reported in the literature in individuals with autosomal dominant polycystic kidney disease (ADPKD) (PMID: 17582161, 22008521, 26139440). Additional information: Variant is predicted to result in a missense amino acid change from Cys to Arg; This variant is heterozygous; This gene is associated with autosomal dominant disease. Polycystic kidney disease 1 (MIM#173900) is predominantly caused by monoallelic variants, with rare reports of biallelic variants causing disease (OMIM); Variant is located in the annotated REJ domain (DECIPHER); Loss of function is a known mechanism of disease in this gene and is associated with polycystic kidney disease 1 (MIM#173900); Inheritance information for this variant is not currently available in this individual.

PreventionGenetics, part of Exact Sciences
Classification: Pathogenic for PKD1-related condition. Last evaluated: 2025-07-10. Review status: criteria provided, single submitter. Criteria: ACMG Guidelines, 2015. Collection method: clinical testing. Allele origin: germline.
Comment: The PKD1 c.7108T>C variant is predicted to result in the amino acid substitution p.Cys2370Arg. This variant was reported in individuals with polycystic kidney disease (PKD) (Rossetti et al. 2003. PubMed ID: 12842373; Table S3, Mallawaarachchi et al. 2021. PubMed ID: 33437033). In addition, we have previously found this variant in individuals with PKD at PreventionGenetics (internal data). This variant has not been reported in a large population database (gnomAD), indicating this variant is rare. Of note, different substitutions affecting the same amino acid have been reported in individuals with PKD (p.Cys2370Ser, Bataille et al. 2011. PubMed ID: 22008521 and Table 1B of Rossetti et al. 2007. PubMed ID: 17582161; p.Cys2370Tyr, Supplementary Table 2 of Yu et al. 2022. PubMed ID: 35778421 and Lin et al. 2023. PubMed ID: 36773205). In summary, the c.7108T>C (p.Cys2370Arg) variant is interpreted as pathogenic.

Human Genetics Bochum, Ruhr University Bochum
Classification: Likely pathogenic for Polycystic kidney disease, adult type. Last evaluated: 2023-03-28. Review status: criteria provided, single submitter. Criteria: ACMG Guidelines, 2015. Collection method: clinical testing. Allele origin: germline. Affected: yes.
Comment: ACMG criteria used to clasify this variant:PS1, PP3_MOD, PM2_SUP, PP2

Blueprint Genetics
Classification: Likely pathogenic for PKD1-related disorders. Last evaluated: 2022-08-23. Review status: criteria provided, single submitter. Criteria: ACMG Guidelines, 2015. Collection method: clinical testing. Allele origin: germline. Affected: yes. Observed: 1 variant allele.

Molecular Genetics of Inherited Kidney Disorders Laboratory, Garvan Institute of Medical Research
Classification: Likely pathogenic. Last evaluated: 2019-01-01. Review status: criteria provided, single submitter. Criteria: ACMG Guidelines, 2015. Collection method: clinical testing. Allele origin: germline. Affected: yes.

ARUP Laboratories, Molecular Genetics and Genomics, ARUP Laboratories
Classification: Likely pathogenic. Last evaluated: 2017-07-20. Review status: criteria provided, single submitter. Criteria: ARUP Molecular Germline Variant Investigation Process. Collection method: clinical testing. Allele origin: germline.

Literature cited by the submitters: PubMed 29801666 (cited by Women's Health and Genetics/Laboratory Corporation of America, LabCorp); PubMed 12842373 (cited by Women's Health and Genetics/Laboratory Corporation of America, LabCorp and Victorian Clinical Genetics Services, Murdoch Childrens Research Institute); PubMed 33437033 (cited by Women's Health and Genetics/Laboratory Corporation of America, LabCorp); PubMed 17582161 (cited by Victorian Clinical Genetics Services, Murdoch Childrens Research Institute and Human Genetics Bochum, Ruhr University Bochum); PubMed 22008521 (cited by Victorian Clinical Genetics Services, Murdoch Childrens Research Institute and Human Genetics Bochum, Ruhr University Bochum); PubMed 26139440 (cited by Victorian Clinical Genetics Services, Murdoch Childrens Research Institute).